The following is an entry in ClinVar:

NM_007294.4(BRCA1):c.3423T>C (p.His1141=)

Genes: BRCA1 (BRCA1 DNA repair associated; minus strand), LOC126862571 (BRD4-independent group 4 enhancer GRCh37_chr17:41243136-41244335; plus strand). Cytogenetic location: 17q21.31.
Variant type: single nucleotide variant.
Coding change: c.3423T>C on transcript NM_007294.4 (MANE Select); coding-DNA position 3423, T replaced by C.
Protein change: p.His1141=; no amino-acid change (histidine 1141 retained).
Molecular consequence: synonymous variant. On other transcripts: intron variant (135).
Genome position (GRCh38, 1-based): chr17:43,092,108, A>G on the plus strand (T>C on the coding strand, the complement: BRCA1 is on the minus strand). VCF-style: chr17-43092108-A-G. GRCh37 (hg19) VCF-style: chr17-41244125-A-G.
Other names: c.578-1076T>C (NM_001408484.1, NM_001408478.1, NM_001408514.1 and 9 more transcripts); c.662-1076T>C (NM_001408450.1, NM_001408434.1, NM_001408447.1 and 6 more transcripts); c.785-1076T>C (NM_001408398.1, NM_001407992.1, NM_001408400.1 and 13 more transcripts); c.665-1076T>C (NM_001408440.1, NM_001408428.1, NM_001408441.1 and 12 more transcripts); c.671-1076T>C (NM_001408418.1, NM_001408423.1, NM_001408420.1 and 2 more transcripts); c.788-1076T>C (NM_001407981.1, NM_007298.4, NM_001407978.1 and 17 more transcripts); c.644-1076T>C (NM_001408462.1, NM_001408470.1, NM_001408464.1 and 3 more transcripts); c.710-1076T>C (NM_001408414.1, NM_001408411.1, NM_001408415.1 and 2 more transcripts); and 41 more.
Identifiers: ClinVar variation 215872 (VCV000215872.22), dbSNP rs863224419, ClinGen allele CA338223.

ClinVar aggregate classification (germline): Likely benign. Review status: reviewed by expert panel (3 of 4 stars). 6 submissions from 6 submitters: Likely benign (1). 5 of the submissions do not count toward it. Last evaluated 2017-06-29.

Conditions:
Hereditary breast ovarian cancer syndrome. Also called: Breast and ovarian cancer; Hereditary breast and ovarian cancer; Hereditary breast and ovarian cancer syndrome; Hereditary breast and/or ovarian cancer syndrome; BRCA1- and BRCA2-Associated Hereditary Breast and Ovarian Cancer; Hereditary breast and ovarian cancer syndrome (HBOC). Identifiers: Orphanet 145, MedGen C0677776, MeSH D061325, MONDO:0003582. Disease mechanism: loss of function.
Hereditary cancer-predisposing syndrome. Also called: Tumor predisposition; Hereditary Cancer Syndrome; Neoplastic Syndromes, Hereditary; Hereditary neoplastic syndrome. Identifiers: Orphanet 140162, MedGen C0027672, MeSH D009386, MONDO:0015356.
Breast-ovarian cancer, familial, susceptibility to, 1 (BROVCA1). Also called: BRCA1 Hereditary Breast and Ovarian Cancer; OVARIAN CANCER, SUSCEPTIBILITY TO. Identifiers: Orphanet 145, MedGen C2676676, MONDO:0011450, OMIM 604370. Disease mechanism: loss of function.

Allele frequency attached by ClinVar (database versions not stated): gnomAD exomes 0.00001; TOPMed 0.00001.

Submissions (6):

Evidence-based Network for the Interpretation of Germline Mutant Alleles (ENIGMA)
Classification: Likely benign for Breast-ovarian cancer, familial, susceptibility to, 1. Last evaluated: 2017-06-29. Review status: reviewed by expert panel. Criteria: ENIGMA BRCA1/2 Classification Criteria (2017-06-29). Collection method: curation. Allele origin: germline.
Comment: Synonymous substitution variant, with low bioinformatic likelihood to result in a splicing aberration (Splicing prior probability 0.02).

Labcorp Genetics (formerly Invitae), Labcorp
Classification: Likely benign for Hereditary breast ovarian cancer syndrome. Last evaluated: 2025-12-30. Review status: criteria provided, single submitter. Criteria: Invitae Variant Classification Sherloc (09022015). Collection method: clinical testing. Allele origin: germline. Not counted in ClinVar's aggregate classification.

All of Us Research Program, National Institutes of Health
Classification: Likely benign for Breast-ovarian cancer, familial, susceptibility to, 1. Last evaluated: 2023-03-07. Review status: criteria provided, single submitter. Criteria: ACMG Guidelines, 2015. Collection method: clinical testing. Allele origin: germline. Inheritance: Autosomal dominant inheritance. Observed: 1 variant allele, 1 heterozygote. Not counted in ClinVar's aggregate classification.
Comment: This study involves interpretation of variants in research participants for the purpose of population health screening. Participant phenotype was not available at the time of variant classification. Additional details can be found in publication PMID: 35346344, PMCID: PMC8962531

Ambry Genetics
Classification: Likely benign for Hereditary cancer-predisposing syndrome. Last evaluated: 2018-07-13. Review status: criteria provided, single submitter. Criteria: Ambry Variant Classification Scheme 2023. Collection method: clinical testing. Allele origin: germline. Not counted in ClinVar's aggregate classification.

Color Diagnostics, LLC DBA Color Health
Classification: Likely benign for Hereditary cancer-predisposing syndrome. Last evaluated: 2017-03-06. Review status: criteria provided, single submitter. Criteria: ACMG Guidelines, 2015. Collection method: clinical testing. Allele origin: germline. Not counted in ClinVar's aggregate classification.

GeneDx
Classification: Likely benign. Last evaluated: 2017-01-26. Review status: criteria provided, single submitter. Criteria: GeneDx Variant Classification (06012015). Collection method: clinical testing. Allele origin: germline. Affected: yes. Not counted in ClinVar's aggregate classification.
Comment: This variant is considered likely benign or benign based on one or more of the following criteria: it is a conservative change, it occurs at a poorly conserved position in the protein, it is predicted to be benign by multiple in silico algorithms, and/or has population frequency not consistent with disease.